The following is an entry in ClinVar:

ClinVar aggregate classification (germline): Uncertain significance (1 of 4 stars; one submission).

Submission:

CeGaT Center for Human Genetics Tuebingen
Classification: Uncertain significance. Last evaluated: 2025-03-01. Review status: criteria provided, single submitter. Criteria: CeGaT Center For Human Genetics Tuebingen Variant Classification Criteria Version 2. Collection method: clinical testing. Allele origin: germline. Affected: yes. Observed: 1 variant allele.
Comment: SETD1B: PM2, PP2

NM_001353345.2(SETD1B):c.2566C>T (p.Pro856Ser)

Gene: SETD1B (SET domain containing 1B, histone lysine methyltransferase; plus strand). Cytogenetic location: 12q24.31.
Variant type: single nucleotide variant.
Coding change: c.2566C>T on transcript NM_001353345.2 (MANE Select); coding-DNA position 2566, C replaced by T.
Protein change: p.Pro856Ser; replaces proline 856 with serine.
Molecular consequence: missense variant.
Genome position (GRCh38, 1-based): chr12:121,814,781, C>T. VCF-style: chr12-121814781-C-T. GRCh37 (hg19) VCF-style: chr12-122252687-C-T.
Other names: short protein forms P856S.
Identifiers: ClinVar variation 1711355 (VCV001711355.30), dbSNP rs778062432, ClinGen allele CA386994933.